The following is an entry in ClinVar:

ClinVar aggregate classification (germline): Likely benign (1 of 4 stars; one submission).

Allele frequency attached by ClinVar (database versions not stated): 1000 Genomes Project 0.00080; gnomAD 0.00335 and 0.00340.
gnomAD v4.1: 410 of 124,436 alleles (0.33%); highest among the groups gnomAD compares: Non-Finnish European, 0.5%; no homozygotes.

Submission:

CeGaT Center for Human Genetics Tuebingen
Classification: Likely benign. Last evaluated: 2023-06-01. Review status: criteria provided, single submitter. Criteria: CeGaT Center For Human Genetics Tuebingen Variant Classification Criteria Version 2. Collection method: clinical testing. Allele origin: germline. Affected: yes. Observed: 23 variant alleles.
Comment: HRAS: BS1

NC_000011.10:g.531070G>A

Genes: HRAS (HRas proto-oncogene, GTPase; minus strand), LRRC56 (leucine rich repeat containing 56; plus strand). Cytogenetic location: 11p15.5.
Variant type: single nucleotide variant.
Genome position: GRCh38 VCF-style: chr11-531070-G-A. GRCh37 (hg19) VCF-style: chr11-531070-G-A.
Identifiers: ClinVar variation 1694578 (VCV001694578.31), dbSNP rs534235694, ClinGen allele CA216941564.
Genomic context (GRCh38, chr11:531,070, plus strand): 5'-TGTGGCGTCCCCTGGACAGAAGGGGGAGTGTGGCGTCCCCTGGAGAGAAGGGCGAGTGTG[G>A]CGTCCCCTGGAGAGAAGGGCGAGTGTGGCGTCCCCTGGAGAGAAGGGGGAGTGTGGCGTC-3'